The following is an entry in ClinVar:

NM_033026.6(PCLO):c.10767C>G (p.Asp3589Glu)

Gene: PCLO (piccolo presynaptic cytomatrix protein; minus strand). Cytogenetic location: 7q21.11.
Variant type: single nucleotide variant.
Coding change: c.10767C>G on transcript NM_033026.6 (MANE Select); coding-DNA position 10767, C replaced by G.
Protein change: p.Asp3589Glu; replaces aspartic acid 3589 with glutamic acid.
Molecular consequence: missense variant.
Genome position (GRCh38, 1-based): chr7:82,949,821, G>C on the plus strand (C>G on the coding strand, the complement: PCLO is on the minus strand). VCF-style: chr7-82949821-G-C. GRCh37 (hg19) VCF-style: chr7-82579137-G-C.
Other names: c.10767C>G (NM_033026.5); c.10767C>G, p.Asp3589Glu (NM_014510.3); short protein forms D3589E.
Identifiers: ClinVar variation 1645353 (VCV001645353.15), dbSNP rs149879954, ClinGen allele CA4319687.

ClinVar aggregate classification (germline): Benign/Likely benign. Review status: criteria provided, multiple submitters, no conflicts (2 of 4 stars). 5 submissions from 5 submitters: Benign (2); Likely benign (2). 1 of the submissions does not count toward it. Last evaluated 2026-01-24.

Conditions:
PCLO-related disorder. Also called: PCLO-related condition.
Inborn genetic diseases. Identifiers: MedGen C0950123, MeSH D030342.

Allele frequency attached by ClinVar (database versions not stated): gnomAD exomes 0.00054; ExAC 0.00061; gnomAD 0.00206 and 0.00221; ESP Exome Variant Server 0.00207; TOPMed 0.00248; 1000 Genomes Project 0.00300; 1000 Genomes Project 30x 0.00328.
gnomAD v4.1: 625 of 1,613,818 alleles (0.039%); highest among the groups gnomAD compares: African/African-American, 0.66%; 3 homozygotes.

Submissions (5):

Labcorp Genetics (formerly Invitae), Labcorp
Classification: Benign. Last evaluated: 2026-01-24. Review status: criteria provided, single submitter. Criteria: Invitae Variant Classification Sherloc (09022015). Collection method: clinical testing. Allele origin: germline.

Women's Health and Genetics/Laboratory Corporation of America, LabCorp
Classification: Likely benign. Last evaluated: 2024-05-22. Review status: criteria provided, single submitter. Criteria: LabCorp Variant Classification Summary - May 2015. Collection method: clinical testing. Allele origin: germline.
Comment: Variant summary: PCLO c.10767C>G (p.Asp3589Glu) results in a conservative amino acid change in the encoded protein sequence. Four of five in-silico tools predict a benign effect of the variant on protein function. The variant allele was found at a frequency of 0.00039 in 1613818 control chromosomes, predominantly at a frequency of 0.0066 within the African or African-American subpopulation in the gnomAD database, including 3 homozygotes. The observed variant frequency within African or African-American control individuals in the gnomAD database exceeds the estimated maximal expected allele frequency for a pathogenic variant in PCLO causing Pontocerebellar Hypoplasia Type 3 phenotype, suggesting the variant may be benign. To our knowledge, no occurrence of c.10767C>G in individuals affected with Pontocerebellar Hypoplasia Type 3 and no experimental evidence demonstrating its impact on protein function have been reported. ClinVar contains an entry for this variant (Variation ID: 1645353). Based on the evidence outlined above, the variant was classified as likely benign.

Ambry Genetics
Classification: Likely benign for Inborn genetic diseases. Last evaluated: 2022-01-19. Review status: criteria provided, single submitter. Criteria: Ambry Variant Classification Scheme 2023. Collection method: clinical testing. Allele origin: germline.

Breakthrough Genomics
Classification: Benign. Review status: criteria provided, single submitter. Criteria: ACMG Guidelines, 2015. Collection method: not provided. Allele origin: germline. Inheritance: Autosomal recessive inheritance. Affected: yes.

PreventionGenetics, part of Exact Sciences
Classification: Likely benign for PCLO-related condition. Last evaluated: 2019-11-08. Review status: no assertion criteria provided. Collection method: clinical testing. Allele origin: germline. Not counted in ClinVar's aggregate classification.
Comment: This variant is classified as likely benign based on ACMG/AMP sequence variant interpretation guidelines (Richards et al. 2015 PMID: 25741868, with internal and published modifications).